The following is an entry in ClinVar:

NM_033641.4(COL4A6):c.4196A>G (p.Gln1399Arg)

Gene: COL4A6 (collagen type IV alpha 6 chain; minus strand). Cytogenetic location: Xq22.3.
Variant type: single nucleotide variant.
Coding change: c.4196A>G on transcript NM_033641.4 (MANE Select); coding-DNA position 4196, A replaced by G.
Protein change: p.Gln1399Arg; replaces glutamine 1399 with arginine.
Molecular consequence: missense variant.
Genome position (GRCh38, 1-based): chrX:108,162,912, T>C on the plus strand (A>G on the coding strand, the complement: COL4A6 is on the minus strand). VCF-style: chrX-108162912-T-C. GRCh37 (hg19) VCF-style: chrX-107406142-T-C.
Other names: c.4247A>G, p.Gln1416Arg (NM_001287758.2); c.4124A>G, p.Gln1375Arg (NM_001287759.2); c.4025A>G, p.Gln1342Arg (NM_001287760.2); c.4199A>G, p.Gln1400Arg (NM_001847.4); short protein forms Q1342R, Q1375R, Q1399R, Q1400R, Q1416R.
Identifiers: ClinVar variation 4855758 (VCV004855758.1).
Genomic context (GRCh38, chrX:108,162,912, plus strand): 5'-AACTCCCCAACAAATCTCCTTTTTCTGGCACCCTCCTCACCTTGTAGGCCTACAGGGCCT[T>C]GAGCCCCAGGGTCCCCAGTGAGGCCAGGGATGCCATCGATCCCTGGTAGACCCAAGGGTC-3'
Protein context (NP_378667.1, residues 1389-1409): IPGLTGDPGA[Gln1399Arg]GPVGLQGSKG

ClinVar aggregate classification (germline): Uncertain significance (1 of 4 stars; one submission).

Conditions:
Hearing loss, X-linked 6. Also called: Deafness, X-linked 6. Identifiers: Orphanet 90625, MedGen C3806737, MONDO:0010484, OMIM 300914.

gnomAD v4.1: 1 of 1,194,297 alleles (0.000084%); highest among the groups gnomAD compares: Admixed American, 0.0023%; no homozygotes.

Submission:

3billion
Classification: Uncertain significance for Hearing loss, X-linked 6. Last evaluated: 2025-09-09. Review status: criteria provided, single submitter. Criteria: ACMG Guidelines, 2015. Collection method: clinical testing. Allele origin: germline. Affected: yes.
Comment: The variant is observed at an extremely low frequency in the gnomAD v4.1.0 dataset (total allele frequency: <0.001%). Predicted Consequence/Location: Missense variant. Missense changes are a common disease-causing mechanism. In silico tool predictions suggest no damaging effect of the variant on gene or gene product [REVEL: 0.34 (<0.4); 3Cnet: 0.08 (<0.1, specificity 0.84 and negative predicitive value 0.97)]. Therefore, this variant is classified as VUS according to the recommendation of ACMG/AMP guideline.